The following is an entry in ClinVar:

NM_153006.3(NAGS):c.353G>C (p.Gly118Ala)

Gene: NAGS (N-acetylglutamate synthase; plus strand). Cytogenetic location: 17q21.31.
Variant type: single nucleotide variant.
Coding change: c.353G>C on transcript NM_153006.3 (MANE Select); coding-DNA position 353, G replaced by C.
Protein change: p.Gly118Ala; replaces glycine 118 with alanine.
Molecular consequence: missense variant.
Genome position (GRCh38, 1-based): chr17:44,005,016, G>C. VCF-style: chr17-44005016-G-C. GRCh37 (hg19) VCF-style: chr17-42082384-G-C.
Other names: short protein forms G118A.
Identifiers: ClinVar variation 2085847 (VCV002085847.4), dbSNP rs2509277990, ClinGen allele CA399737693.
Genomic context (GRCh38, chr17:44,005,016, plus strand): 5'-GCCGCTCGCTGGTGCAGCGGGACATCCAGGCCTTCCTGAACCAGTGCGGGGCCAGCCCTG[G>C]GGAGGCGCGCCACTGGCTCACGCAGTTCCAGACCTGCCATCACTCCGCGGACAAGCCCTT-3'
Protein context (NP_694551.1, residues 108-128): AFLNQCGASP[Gly118Ala]EARHWLTQFQ

ClinVar aggregate classification (germline): Uncertain significance (1 of 4 stars; one submission).

Conditions:
Hyperammonemia, type III (NAGSD). Also called: Hyperammonemia due to N-acetylglutamate synthase deficiency. Identifiers: Orphanet 927, MedGen C0268543, MONDO:0009377, OMIM 237310.

gnomAD v4.1: 1 of 1,561,414 alleles (0.000064%); no homozygotes.

Submission:

Labcorp Genetics (formerly Invitae), Labcorp
Classification: Uncertain significance for Hyperammonemia, type III. Last evaluated: 2022-03-05. Review status: criteria provided, single submitter. Criteria: Invitae Variant Classification Sherloc (09022015). Collection method: clinical testing. Allele origin: germline.
Comment: This sequence change replaces glycine, which is neutral and non-polar, with alanine, which is neutral and non-polar, at codon 118 of the NAGS protein (p.Gly118Ala). This variant is not present in population databases (gnomAD no frequency). This variant has not been reported in the literature in individuals affected with NAGS-related conditions. Algorithms developed to predict the effect of missense changes on protein structure and function are either unavailable or do not agree on the potential impact of this missense change (SIFT: "Tolerated"; PolyPhen-2: "Possibly Damaging"; Align-GVGD: "Class C0"). In summary, the available evidence is currently insufficient to determine the role of this variant in disease. Therefore, it has been classified as a Variant of Uncertain Significance.